The following is an entry in ClinVar:

ClinVar aggregate classification (germline): Uncertain significance (1 of 4 stars; one submission).

Submission:

GeneDx
Classification: Uncertain significance. Last evaluated: 2023-03-25. Review status: criteria provided, single submitter. Criteria: GeneDx Variant Classification Process June 2021. Collection method: clinical testing. Allele origin: germline. Affected: yes.
Comment: Not observed at significant frequency in large population cohorts (gnomAD); In silico analysis supports that this missense variant has a deleterious effect on protein structure/function; Has not been previously published as pathogenic or benign to our knowledge

NM_002739.5(PRKCG):c.1810G>A (p.Gly604Arg)

Gene: PRKCG (protein kinase C gamma; plus strand). Cytogenetic location: 19q13.42.
Variant type: single nucleotide variant.
Coding change: c.1810G>A on transcript NM_002739.5 (MANE Select); coding-DNA position 1810, G replaced by A.
Protein change: p.Gly604Arg; replaces glycine 604 with arginine.
Molecular consequence: missense variant.
Genome position (GRCh38, 1-based): chr19:53,906,362, G>A. VCF-style: chr19-53906362-G-A. GRCh37 (hg19) VCF-style: chr19-54409616-G-A.
Other names: c.1810G>A, p.Gly604Arg (NM_001316329.2); short protein forms G604R.
Identifiers: ClinVar variation 2580725 (VCV002580725.1), dbSNP rs2514585967, ClinGen allele CA407420089.